The following is an entry in ClinVar:

ClinVar aggregate classification (germline): Uncertain significance (1 of 4 stars; one submission).

Submission:

Labcorp Genetics (formerly Invitae), Labcorp
Classification: Uncertain significance. Last evaluated: 2023-04-19. Review status: criteria provided, single submitter. Criteria: Invitae Variant Classification Sherloc (09022015). Collection method: clinical testing. Allele origin: germline.
Comment: In summary, the available evidence is currently insufficient to determine the role of this variant in disease. Therefore, it has been classified as a Variant of Uncertain Significance. Advanced modeling of protein sequence and biophysical properties (such as structural, functional, and spatial information, amino acid conservation, physicochemical variation, residue mobility, and thermodynamic stability) performed at Invitae indicates that this missense variant is not expected to disrupt LZTR1 protein function. This variant has not been reported in the literature in individuals affected with LZTR1-related conditions. This variant is not present in population databases (gnomAD no frequency). This sequence change replaces threonine, which is neutral and polar, with asparagine, which is neutral and polar, at codon 530 of the LZTR1 protein (p.Thr530Asn).

NM_006767.4(LZTR1):c.1589C>A (p.Thr530Asn)

Gene: LZTR1 (leucine zipper like post translational regulator 1; plus strand). Cytogenetic location: 22q11.21.
Variant type: single nucleotide variant.
Coding change: c.1589C>A on transcript NM_006767.4 (MANE Select); coding-DNA position 1589, C replaced by A.
Protein change: p.Thr530Asn; replaces threonine 530 with asparagine.
Molecular consequence: missense variant.
Genome position (GRCh38, 1-based): chr22:20,994,243, C>A. VCF-style: chr22-20994243-C-A. GRCh37 (hg19) VCF-style: chr22-21348532-C-A.
Other names: short protein forms T530N.
Identifiers: ClinVar variation 2855072 (VCV002855072.3), dbSNP rs2518621095, ClinGen allele CA410776162.